The following is an entry in ClinVar:

NM_001041.4(SI):c.5464A>G (p.Ile1822Val)

Gene: SI (sucrase-isomaltase; minus strand). Cytogenetic location: 3q26.1.
Variant type: single nucleotide variant.
Coding change: c.5464A>G on transcript NM_001041.4 (MANE Select); coding-DNA position 5464, A replaced by G.
Protein change: p.Ile1822Val; replaces isoleucine 1822 with valine.
Molecular consequence: missense variant.
Genome position (GRCh38, 1-based): chr3:164,979,382, T>C on the plus strand (A>G on the coding strand, the complement: SI is on the minus strand). VCF-style: chr3-164979382-T-C. GRCh37 (hg19) VCF-style: chr3-164697170-T-C.
Other names: short protein forms I1822V.
Identifiers: ClinVar variation 2005438 (VCV002005438.5), dbSNP rs965822078, ClinGen allele CA87236041.

ClinVar aggregate classification (germline): Uncertain significance. Review status: criteria provided, multiple submitters, no conflicts (2 of 4 stars). 2 submissions from 2 submitters: Uncertain significance (2). Last evaluated 2025-06-12.

Conditions:
Sucrase-isomaltase deficiency (CSID). Also called: SI DEFICIENCY; Congenital sucrose isomaltose malabsorption; Sucrose isomaltose enzyme deficiency; Deficiency of isomaltase. Identifiers: Orphanet 35122, MedGen C1283620, MONDO:0009114, OMIM 222900.

Allele frequency attached by ClinVar (database versions not stated): TOPMed 0.00001.

Submissions (2):

Labcorp Genetics (formerly Invitae), Labcorp
Classification: Uncertain significance. Last evaluated: 2025-06-12. Review status: criteria provided, single submitter. Criteria: Invitae Variant Classification Sherloc (09022015). Collection method: clinical testing. Allele origin: germline.
Comment: This sequence change replaces isoleucine, which is neutral and non-polar, with valine, which is neutral and non-polar, at codon 1822 of the SI protein (p.Ile1822Val). This variant is not present in population databases (gnomAD no frequency). This variant has not been reported in the literature in individuals affected with SI-related conditions. ClinVar contains an entry for this variant (Variation ID: 2005438). Invitae Evidence Modeling of protein sequence and biophysical properties (such as structural, functional, and spatial information, amino acid conservation, physicochemical variation, residue mobility, and thermodynamic stability) indicates that this missense variant is not expected to disrupt SI protein function with a negative predictive value of 95%. In summary, the available evidence is currently insufficient to determine the role of this variant in disease. Therefore, it has been classified as a Variant of Uncertain Significance.

Fulgent Genetics
Classification: Uncertain significance for Sucrase-isomaltase deficiency. Last evaluated: 2024-03-25. Review status: criteria provided, single submitter. Criteria: ACMG Guidelines, 2015. Collection method: clinical testing. Allele origin: germline.